The following is an entry in ClinVar:

ClinVar aggregate classification (germline): Uncertain significance (1 of 4 stars; one submission).

Conditions:
Common variable immunodeficiency (CVID). Also called: Common variable hypogamma-globulinemia; Common variable agammaglobulinemia. Identifiers: Orphanet 1572, MedGen C0009447, MONDO:0015517.

Submission:

Labcorp Genetics (formerly Invitae), Labcorp
Classification: Uncertain significance for Common variable immunodeficiency. Last evaluated: 2023-04-06. Review status: criteria provided, single submitter. Criteria: Invitae Variant Classification Sherloc (09022015). Collection method: clinical testing. Allele origin: germline.
Comment: This sequence change creates a premature translational stop signal (p.Gln66*) in the TNFSF12 gene. It is expected to result in an absent or disrupted protein product. However, the current clinical and genetic evidence is not sufficient to establish whether loss-of-function variants in TNFSF12 cause disease. In summary, the available evidence is currently insufficient to determine the role of this variant in disease. Therefore, it has been classified as a Variant of Uncertain Significance. This variant has not been reported in the literature in individuals affected with TNFSF12-related conditions. The frequency data for this variant in the population databases is considered unreliable, as metrics indicate poor data quality at this position in the gnomAD database.

NM_003809.3(TNFSF12):c.196C>T (p.Gln66Ter)

Genes: TNFSF12-TNFSF13 (TNFSF12-TNFSF13 readthrough; plus strand), TNFSF12 (TNF superfamily member 12; plus strand). Cytogenetic location: 17p13.1.
Variant type: single nucleotide variant.
Coding change: c.196C>T on transcript NM_003809.3 (MANE Select); coding-DNA position 196, C replaced by T.
Protein change: p.Gln66Ter; replaces glutamine 66 with a stop codon.
Molecular consequence: nonsense. On other transcripts: non-coding transcript variant (1).
Genome position (GRCh38, 1-based): chr17:7,549,510, C>T. VCF-style: chr17-7549510-C-T. GRCh37 (hg19) VCF-style: chr17-7452827-C-T.
Other names: c.196C>T, p.Gln66Ter (NM_172089.4); short protein forms Q66*.
Identifiers: ClinVar variation 2852916 (VCV002852916.3), dbSNP rs1318143254, ClinGen allele CA397855282.
Genomic context (GRCh38, chr17:7,549,510, plus strand): 5'-GTGACGCTCCCTCCTTCCCAGCAGGAGCCTGCCCAGGAGGAGCTGGTGGCAGAGGAGGAC[C>T]AGGACCCGTCGGTGAGTGGGCGTGGGCGCGGTCTGCAGGCTGCTGGGGCATGGGAAGTGT-3'